The following is an entry in ClinVar:

ClinVar aggregate classification (germline): Uncertain significance (1 of 4 stars; one submission).

Conditions:
Gnathodiaphyseal dysplasia (GDD). Also called: GNATHODIAPHYSEAL SCLEROSIS; OSTEOGENESIS IMPERFECTA WITH UNUSUAL SKELETAL LESIONS. Identifiers: Orphanet 53697, MedGen C1833736, MONDO:0008151, OMIM 166260.
Autosomal recessive limb-girdle muscular dystrophy type 2L (LGMDR12). Also called: Limb-girdle muscular dystrophy, type 2L; MUSCULAR DYSTROPHY, LIMB-GIRDLE, AUTOSOMAL RECESSIVE 12; Limb-Girdle Muscular Dystrophy R12 Anoctamin-5-Related (LGMD-R12). Identifiers: Orphanet 206549, MedGen C1969785, MONDO:0012652, OMIM 611307.

Submission:

Labcorp Genetics (formerly Invitae), Labcorp
Classification: Uncertain significance for Autosomal recessive limb-girdle muscular dystrophy type 2L; Gnathodiaphyseal dysplasia. Last evaluated: 2024-02-23. Review status: criteria provided, single submitter. Criteria: Invitae Variant Classification Sherloc (09022015). Collection method: clinical testing. Allele origin: germline.
Comment: This sequence change replaces aspartic acid, which is acidic and polar, with glutamic acid, which is acidic and polar, at codon 416 of the ANO5 protein (p.Asp416Glu). This variant is not present in population databases (gnomAD no frequency). This variant has not been reported in the literature in individuals affected with ANO5-related conditions. Advanced modeling of protein sequence and biophysical properties (such as structural, functional, and spatial information, amino acid conservation, physicochemical variation, residue mobility, and thermodynamic stability) has been performed at Invitae for this missense variant, however the output from this modeling did not meet the statistical confidence thresholds required to predict the impact of this variant on ANO5 protein function. In summary, the available evidence is currently insufficient to determine the role of this variant in disease. Therefore, it has been classified as a Variant of Uncertain Significance.

NM_213599.3(ANO5):c.1248C>G (p.Asp416Glu)

Gene: ANO5 (anoctamin 5; plus strand). Cytogenetic location: 11p14.3.
Variant type: single nucleotide variant.
Coding change: c.1248C>G on transcript NM_213599.3 (MANE Select); coding-DNA position 1248, C replaced by G.
Protein change: p.Asp416Glu; replaces aspartic acid 416 with glutamic acid.
Molecular consequence: missense variant.
Genome position (GRCh38, 1-based): chr11:22,255,438, C>G. VCF-style: chr11-22255438-C-G. GRCh37 (hg19) VCF-style: chr11-22276984-C-G.
Other names: c.1245C>G, p.Asp415Glu (NM_001142649.2); c.1206C>G, p.Asp402Glu (NM_001410963.1); c.1203C>G, p.Asp401Glu (NM_001410964.1); short protein forms D401E, D402E, D415E, D416E.
Identifiers: ClinVar variation 3753731 (VCV003753731.2).
Genomic context (GRCh38, chr11:22,255,438, plus strand): 5'-ATTTTTGGAGTTTTGGAAACAACGACAAGCCAGACTGGAATATGAATGGGACCTGGTGGA[C>G]TTTGAAGAGGAACAGCAGCAGCTTCAGCTGAGACCAGAATTTGAAGCTATGTGTAAACAC-3'
Protein context (NP_998764.1, residues 406-426): ARLEYEWDLV[Asp416Glu]FEEEQQQLQL